The following is an entry in ClinVar:

NM_001734.5(C1S):c.1656C>A (p.Gly552=)

Gene: C1S (complement C1s; plus strand). Cytogenetic location: 12p13.31.
Variant type: single nucleotide variant.
Coding change: c.1656C>A on transcript NM_001734.5 (MANE Select); coding-DNA position 1656, C replaced by A.
Protein change: p.Gly552=; no amino-acid change (glycine 552 retained).
Molecular consequence: synonymous variant.
Genome position (GRCh38, 1-based): chr12:7,070,240, C>A. VCF-style: chr12-7070240-C-A. GRCh37 (hg19) VCF-style: chr12-7177544-C-A.
Other names: c.1155C>A, p.Gly385= (NM_001346850.2); c.1656C>A, p.Gly552= (NM_201442.4).
Identifiers: ClinVar variation 4688847 (VCV004688847.1).

ClinVar aggregate classification (germline): Likely benign (1 of 4 stars; one submission).

gnomAD v4.1: 3 of 1,614,112 alleles (0.00019%); highest among the groups gnomAD compares: Non-Finnish European, 0.00025%; no homozygotes.

Submission:

Women's Health and Genetics/Laboratory Corporation of America, LabCorp
Classification: Likely benign. Last evaluated: 2025-12-24. Review status: criteria provided, single submitter. Criteria: LabCorp Variant Classification Summary - May 2015. Collection method: clinical testing. Allele origin: germline.
Comment: Variant summary: C1S c.1656C>A results in a synonymous change. Consensus agreement among computation tools predict no significant impact on normal splicing. However, these predictions have yet to be confirmed by functional studies. The variant was absent in 251108 control chromosomes. The available data on variant occurrences in the general population are insufficient to allow any conclusion about variant significance. To our knowledge, no occurrence of c.1656C>A in individuals affected with C1S-related conditions and no experimental evidence demonstrating its impact on protein function have been reported. No submitters have cited clinical-significance assessments for this variant to ClinVar. Based on the evidence outlined above, the variant was classified as likely benign.